The following is an entry in ClinVar:

ClinVar aggregate classification (germline): Uncertain significance (1 of 4 stars; one submission).

Submission:

Women's Health and Genetics/Laboratory Corporation of America, LabCorp
Classification: Uncertain significance. Last evaluated: 2025-07-02. Review status: criteria provided, single submitter. Criteria: LabCorp Variant Classification Summary - May 2015. Collection method: clinical testing. Allele origin: germline.
Comment: Variant summary: ZSWIM6 c.161C>T (p.Ala54Val) results in a non-conservative amino acid change in the encoded protein sequence. Algorithms developed to predict the effect of missense changes on protein structure and function are either unavailable or do not agree on the potential impact of this missense change. The frequency data for this variant in gnomAD is considered unreliable, as metrics indicate poor data quality at this position. To our knowledge, no occurrence of c.161C>T in individuals affected with ZSWIM6-Related Disorders and no experimental evidence demonstrating its impact on protein function have been reported. No submitters have cited clinical-significance assessments for this variant to ClinVar. Based on the evidence outlined above, the variant was classified as uncertain significance.

NM_020928.2(ZSWIM6):c.161C>T (p.Ala54Val)

Gene: ZSWIM6 (zinc finger SWIM-type containing 6; plus strand). Cytogenetic location: 5q12.1.
Variant type: single nucleotide variant.
Coding change: c.161C>T on transcript NM_020928.2 (MANE Select); coding-DNA position 161, C replaced by T.
Protein change: p.Ala54Val; replaces alanine 54 with valine.
Molecular consequence: missense variant.
Genome position (GRCh38, 1-based): chr5:61,332,433, C>T. VCF-style: chr5-61332433-C-T. GRCh37 (hg19) VCF-style: chr5-60628260-C-T.
Other names: short protein forms A54V.
Identifiers: ClinVar variation 3911974 (VCV003911974.2).
Genomic context (GRCh38, chr5:61,332,433, plus strand): 5'-CGGGTGGCGGCTACAGCTCTGCCTGTCGGCCAGGCCCGCGGGCGGGTGGCGCGGCGGCGG[C>T]GGCGGCGTGCGGGGGCGGCGCGGCGCTGGGGTTGCTGCCGCCGGGCAAGACCCAGAGCCC-3'
Protein context (NP_065979.1, residues 44-64): PGPRAGGAAA[Ala54Val]AACGGGAALG